The following is an entry in ClinVar:

NM_001378418.1(TCF20):c.4426C>G (p.Gln1476Glu)

Gene: TCF20 (transcription factor 20; minus strand). Cytogenetic location: 22q13.2.
Variant type: single nucleotide variant.
Coding change: c.4426C>G on transcript NM_001378418.1 (MANE Select); coding-DNA position 4426, C replaced by G.
Protein change: p.Gln1476Glu; replaces glutamine 1476 with glutamic acid.
Molecular consequence: missense variant.
Genome position (GRCh38, 1-based): chr22:42,210,880, G>C on the plus strand (C>G on the coding strand, the complement: TCF20 is on the minus strand). VCF-style: chr22-42210880-G-C. GRCh37 (hg19) VCF-style: chr22-42606886-G-C.
Other names: c.4426C>G, p.Gln1476Glu (NM_005650.4, NM_181492.3); c.4426C>G (NM_005650.1); short protein forms Q1476E.
Identifiers: ClinVar variation 1501507 (VCV001501507.9), dbSNP rs2147199699, ClinGen allele CA411784355.

ClinVar aggregate classification (germline): Uncertain significance. Review status: criteria provided, multiple submitters, no conflicts (2 of 4 stars). 2 submissions from 2 submitters: Uncertain significance (2). Last evaluated 2024-07-02.

Allele frequency attached by ClinVar (database versions not stated): gnomAD exomes below 0.00001.
gnomAD v4.1: 2 of 1,614,180 alleles (0.00012%); highest among the groups gnomAD compares: Admixed American, 0.0033%; no homozygotes.

Submissions (2):

GeneDx
Classification: Uncertain significance. Last evaluated: 2024-07-02. Review status: criteria provided, single submitter. Criteria: GeneDx Variant Classification Process June 2021. Collection method: clinical testing. Allele origin: germline. Affected: yes.
Comment: Not observed at significant frequency in large population cohorts (gnomAD); In silico analysis indicates that this missense variant does not alter protein structure/function; Has not been previously published as pathogenic or benign to our knowledge

Labcorp Genetics (formerly Invitae), Labcorp
Classification: Uncertain significance. Last evaluated: 2021-01-13. Review status: criteria provided, single submitter. Criteria: Invitae Variant Classification Sherloc (09022015). Collection method: clinical testing. Allele origin: germline.
Comment: This sequence change replaces glutamine with glutamic acid at codon 1476 of the TCF20 protein (p.Gln1476Glu). The glutamine residue is weakly conserved and there is a small physicochemical difference between glutamine and glutamic acid. This variant is not present in population databases (ExAC no frequency). This variant has not been reported in the literature in individuals with TCF20-related conditions. Algorithms developed to predict the effect of missense changes on protein structure and function are either unavailable or do not agree on the potential impact of this missense change (SIFT: "Tolerated"; PolyPhen-2: "Possibly Damaging"; Align-GVGD: "Class C0"). In summary, the available evidence is currently insufficient to determine the role of this variant in disease. Therefore, it has been classified as a Variant of Uncertain Significance.